The following is an entry in ClinVar:

NM_000051.4(ATM):c.6916A>C (p.Ser2306Arg)

Genes: ATM (ATM serine/threonine kinase; plus strand), C11orf65 (chromosome 11 open reading frame 65; minus strand). Cytogenetic location: 11q22.3.
Variant type: single nucleotide variant.
Coding change: c.6916A>C on transcript NM_000051.4 (MANE Select); coding-DNA position 6916, A replaced by C.
Protein change: p.Ser2306Arg; replaces serine 2306 with arginine.
Molecular consequence: missense variant. On other transcripts: intron variant (2).
Genome position (GRCh38, 1-based): chr11:108,326,166, A>C. VCF-style: chr11-108326166-A-C. GRCh37 (hg19) VCF-style: chr11-108196893-A-C.
Other names: c.6916A>C, p.Ser2306Arg (NM_001351834.2); c.641-17095T>G (NM_001330368.2); c.*38+9054T>G (NM_001351110.2); short protein forms S2306R.
Identifiers: ClinVar variation 4825538 (VCV004825538.1).
Genomic context (GRCh38, chr11:108,326,166, plus strand): 5'-TGTGGAGTCTCTGAGTGGCAGCTGGAAGAAGCACAAGTATTCTGGGCAAAAAAGGAGCAG[A>C]GTCTTGCCCTGAGTATTCTCAAGCAAATGATCAAGAAGTTGGATGCCAGCTGTGCAGCGG-3'
Protein context (NP_000042.3, residues 2296-2316): AQVFWAKKEQ[Ser2306Arg]LALSILKQMI

ClinVar aggregate classification (germline): Uncertain significance (1 of 4 stars; one submission).

Conditions:
Hereditary cancer-predisposing syndrome. Also called: Tumor predisposition; Hereditary neoplastic syndrome; Hereditary Cancer Syndrome; Neoplastic Syndromes, Hereditary. Identifiers: Orphanet 140162, MedGen C0027672, MeSH D009386, MONDO:0015356.

Submission:

Ambry Genetics
Classification: Uncertain significance for Hereditary cancer-predisposing syndrome. Last evaluated: 2026-02-19. Review status: criteria provided, single submitter. Criteria: Ambry Variant Classification Scheme 2023. Collection method: clinical testing. Allele origin: germline.
Comment: The p.S2306R variant (also known as c.6916A>C), located in coding exon 46 of the ATM gene, results from an A to C substitution at nucleotide position 6916. The serine at codon 2306 is replaced by arginine, an amino acid with dissimilar properties. This amino acid position is conserved. In addition, the in silico prediction for this alteration is inconclusive. Based on the available evidence, the clinical significance of this variant remains unclear.